The following is an entry in ClinVar:

ClinVar aggregate classification (germline): Pathogenic. Review status: criteria provided, multiple submitters, no conflicts (2 of 4 stars). 7 submissions from 7 submitters: Pathogenic (6). 1 of the submissions does not count toward it. Last evaluated 2023-07-21.

Conditions:
Von Hippel-Lindau syndrome (VHLS). Also called: Von Hippel-Lindau; von Hippel–Lindau syndrome; VHL syndrome. Identifiers: Orphanet 892, MedGen C0019562, MONDO:0008667, OMIM 193300. Disease mechanism: loss of function.
Chuvash polycythemia. Also called: POLYCYTHEMIA, VHL-DEPENDENT. Identifiers: Orphanet 238557, MedGen C1837915, MONDO:0009892, OMIM 263400.
Hereditary cancer-predisposing syndrome. Also called: Hereditary Cancer Syndrome; Hereditary neoplastic syndrome; Tumor predisposition; Neoplastic Syndromes, Hereditary. Identifiers: Orphanet 140162, MedGen C0027672, MeSH D009386, MONDO:0015356.

Submissions (7):

Baylor Genetics
Classification: Pathogenic for Chuvash polycythemia. Last evaluated: 2023-07-21. Review status: criteria provided, single submitter. Criteria: ACMG Guidelines, 2015. Collection method: clinical testing. Allele origin: unknown.

Ambry Genetics
Classification: Pathogenic for Hereditary cancer-predisposing syndrome. Last evaluated: 2020-08-21. Review status: criteria provided, single submitter. Criteria: Ambry Variant Classification Scheme 2023. Collection method: clinical testing. Allele origin: germline.
Comment: The p.W88R variant (also known as c.262T>A), located in coding exon 1 of the VHL gene, results from a T to A substitution at nucleotide position 262. The tryptophan at codon 88 is replaced by arginine, an amino acid with dissimilar properties. This alteration (also designated 475T>A) was detected in multiple patients who met clinical criteria or presented with clinical features of Von Hippel-Lindau (VHL) Syndrome (Chen F et al. Hum. Mutat., 1995;5:66-75; Gl&auml;sker S et al. J. Neurol. Neurosurg. Psychiatry, 1999 Dec;67:758-62; Jilg CA et al. Urol. Int., 2012 Dec;88:71-8; Ong KR et al. Hum. Mutat., 2007 Feb;28:143-9; Rocha JC et al. J. Med. Genet., 2003 Mar;40:e31; Stanojevic BR et al. Neoplasma, 2007;54:402-6; Zbar B et al. Hum. Mutat., 1996;8:348-57). In addition, a similar alteration resulting in the same amino acid change (W88R) but with a different nucleotide change (c.262T>C) has been reported in VHL patients (Hong B et al. Front Genet, 2019 Sep;10:867; Kim WT et al. J. Korean Med. Sci., 2009 Dec;24:1145-9). Based on internal structural analysis, W88R is at a putative HIF1 binding interface and the variant is moderately destabilizing to the local structure and more disruptive than known variants in the region (Shmueli MD et al. PLoS ONE, 2014 Oct;9:e109864; Van Molle I et al. Chem. Biol., 2012 Oct;19:1300-12). This amino acid position is highly conserved in available vertebrate species. In addition, this alteration is predicted to be deleterious by in silico analysis. Based on the supporting evidence, this alteration is interpreted as a disease-causing mutation.

Genomic Diagnostic Laboratory, Division of Genomic Diagnostics, Children's Hospital of Philadelphia
Classification: Pathogenic for von Hippel-Lindau syndrome. Last evaluated: 2018-08-01. Review status: criteria provided, single submitter. Criteria: DGD Variant Analysis Guidelines. Collection method: clinical testing. Allele origin: germline. Affected: yes. Observed: 6 variant alleles.

Labcorp Genetics (formerly Invitae), Labcorp
Classification: Pathogenic for Von Hippel-Lindau syndrome; Chuvash polycythemia. Last evaluated: 2017-12-21. Review status: criteria provided, single submitter. Criteria: Invitae Variant Classification Sherloc (09022015). Collection method: clinical testing. Allele origin: germline.
Comment: This sequence change replaces tryptophan with arginine at codon 88 of the VHL protein (p.Trp88Arg). The tryptophan residue is highly conserved and there is a moderate physicochemical difference between tryptophan and arginine. For these reasons, this variant has been classified as Pathogenic. A different variant (c.262T>C) giving rise to the same protein effect observed here (p.Trp88Arg) has been reported in individuals affected with Von Hippel-Lindau syndrome (PMID: 12624160, 17688370, Invitae). In addition, a different missense substitution at this codon (p.Trp88Cys) has been determined to be likely pathogenic (PMID: 10567493, 21715564). This suggests that the tryptophan residue is critical for VHL protein function and that other missense substitutions at this position may also be pathogenic. Algorithms developed to predict the effect of missense changes on protein structure and function (SIFT, PolyPhen-2, Align-GVGD) all suggest that this variant is likely to be disruptive, but these predictions have not been confirmed by published functional studies and their clinical significance is uncertain. This variant has been reported in several individuals affected with Von Hippel-Lindau syndrome (PMID: 10567493, 7728151, 17024664, 8956040). This variant is not present in population databases (ExAC no frequency).

Women's Health and Genetics/Laboratory Corporation of America, LabCorp
Classification: Pathogenic for Von Hippel-Lindau syndrome. Last evaluated: 2016-02-03. Review status: criteria provided, single submitter. Criteria: LabCorp Variant Classification Summary - May 2015. Collection method: clinical testing. Allele origin: germline.
Comment: Variant summary: This c.262T>A variant affects a conserved nucleotide, resulting in amino acid change from Trp to Arg in beta domain of VHL protein. 5/5 in-silico tools predict this variant to be damaging. This variant was not found in approximately 102226 control chromosomes including the large and broad populations from ExAC. This variant has been reported in at least ten independent VHL patients, two of whom carried the variant as somatic occurrence. In a family, the variant was found in two affected members, suggesting a possible cosegregation of the variant with disease (Glasker_2001). Another nucleotide change leading to the same amino acid change c.262T>C is a pathogenic variant, a strong evidence that this nucleotide change is also pathogenic. In addition, codon 88 is a mutational hot spot in which other potentially pathogenic variants such as .W88C, p.W88S, p.W88* (c.263G>A) and p.W88* (c.264G>A) have been reported in VHL disease or its related cancers. Taken together, this variant has been classified as a Pathogenic.

PreventionGenetics, part of Exact Sciences
Classification: Pathogenic. Last evaluated: 2014-04-16. Review status: criteria provided, single submitter. Criteria: ACMG Guidelines, 2015. Collection method: clinical testing. Allele origin: germline.

Clinical Genomics Labs, University Health Network
Classification: Pathogenic for Von Hippel-Lindau syndrome. Last evaluated: 2019-10-16. Review status: no assertion criteria provided. Criteria: ACMG Guidelines, 2015. Collection method: clinical testing. Allele origin: germline. Not counted in ClinVar's aggregate classification.

Literature cited by the submitters: PubMed 10567493 (cited by 3 submitters); PubMed 11114638 (cited by Ambry Genetics and Women's Health and Genetics/Laboratory Corporation of America, LabCorp); PubMed 11309459 (cited by Ambry Genetics and Women's Health and Genetics/Laboratory Corporation of America, LabCorp); PubMed 12624160 (cited by Ambry Genetics and Labcorp Genetics (formerly Invitae), Labcorp); PubMed 17024664 (cited by 3 submitters); PubMed 17688370 (cited by Ambry Genetics and Labcorp Genetics (formerly Invitae), Labcorp); PubMed 19408298 (cited by Ambry Genetics); PubMed 19949673 (cited by Ambry Genetics); PubMed 22105711 (cited by Ambry Genetics); PubMed 22156657 (cited by Ambry Genetics and Women's Health and Genetics/Laboratory Corporation of America, LabCorp); PubMed 23102223 (cited by Ambry Genetics); PubMed 25078357 (cited by Ambry Genetics); PubMed 25310726 (cited by Ambry Genetics); PubMed 29294023 (cited by Ambry Genetics); PubMed 31620170 (cited by Ambry Genetics); PubMed 7728151 (cited by 3 submitters); PubMed 8956040 (cited by 3 submitters); PubMed 9681856 (cited by Ambry Genetics and Women's Health and Genetics/Laboratory Corporation of America, LabCorp); PubMed 9829911 (cited by Ambry Genetics and Women's Health and Genetics/Laboratory Corporation of America, LabCorp); PubMed 21715564 (cited by Labcorp Genetics (formerly Invitae), Labcorp); PubMed 19996202 (cited by Women's Health and Genetics/Laboratory Corporation of America, LabCorp); PubMed 11921283 (cited by Women's Health and Genetics/Laboratory Corporation of America, LabCorp); PubMed 16488999 (cited by Women's Health and Genetics/Laboratory Corporation of America, LabCorp).

NM_000551.4(VHL):c.262T>A (p.Trp88Arg)

Gene: VHL (von Hippel-Lindau tumor suppressor; plus strand). Cytogenetic location: 3p25.3.
Variant type: single nucleotide variant.
Coding change: c.262T>A on transcript NM_000551.4 (MANE Select); coding-DNA position 262, T replaced by A.
Protein change: p.Trp88Arg; replaces tryptophan 88 with arginine.
Molecular consequence: missense variant.
Genome position (GRCh38, 1-based): chr3:10,142,109, T>A. VCF-style: chr3-10142109-T-A. GRCh37 (hg19) VCF-style: chr3-10183793-T-A.
Other names: c.262T>A, p.Trp88Arg (NM_001354723.2, NM_198156.3); short protein forms W88R.
Identifiers: ClinVar variation 456577 (VCV000456577.16), dbSNP rs1553619431, ClinGen allele CA351750671.